The following is an entry in ClinVar:

NM_172107.4(KCNQ2):c.1540G>T (p.Gly514Ter)

Gene: KCNQ2 (potassium voltage-gated channel subfamily Q member 2; minus strand). Cytogenetic location: 20q13.33.
Variant type: single nucleotide variant.
Coding change: c.1540G>T on transcript NM_172107.4 (MANE Select); coding-DNA position 1540, G replaced by T.
Protein change: p.Gly514Ter; replaces glycine 514 with a stop codon.
Molecular consequence: nonsense.
Genome position (GRCh38, 1-based): chr20:63,414,179, C>A on the plus strand (G>T on the coding strand, the complement: KCNQ2 is on the minus strand). VCF-style: chr20-63414179-C-A. GRCh37 (hg19) VCF-style: chr20-62045532-C-A.
Other names: c.1486G>T, p.Gly496Ter (NM_001382235.1, NM_172106.3); c.1456G>T, p.Gly486Ter (NM_004518.6); c.1447G>T, p.Gly483Ter (NM_172108.5); short protein forms G514*, G486*, G496*, G483*.
Identifiers: ClinVar variation 941301 (VCV000941301.8), dbSNP rs772669887, ClinGen allele CA409645740.

ClinVar aggregate classification (germline): Pathogenic (1 of 4 stars; one submission).

Conditions:
Early-infantile DEE. Also called: Early infantile epileptic encephalopathy; Ohtahara syndrome; Early infantile epileptic encephalopathy with suppression bursts. Identifiers: Orphanet 1934, MedGen C0393706, MONDO:0800491.

Submission:

Labcorp Genetics (formerly Invitae), Labcorp
Classification: Pathogenic for Early-infantile DEE. Last evaluated: 2022-07-11. Review status: criteria provided, single submitter. Criteria: Invitae Variant Classification Sherloc (09022015). Collection method: clinical testing. Allele origin: germline.
Comment: For these reasons, this variant has been classified as Pathogenic. ClinVar contains an entry for this variant (Variation ID: 941301). This variant has not been reported in the literature in individuals affected with KCNQ2-related conditions. This variant is not present in population databases (gnomAD no frequency). This sequence change creates a premature translational stop signal (p.Gly514*) in the KCNQ2 gene. It is expected to result in an absent or disrupted protein product. Loss-of-function variants in KCNQ2 are known to be pathogenic (PMID: 14534157, 23692823, 27779742).

Literature cited by the submitters: PubMed 14534157; PubMed 23692823; PubMed 27779742.